The following is an entry in ClinVar:

ClinVar aggregate classification (germline): Uncertain significance (1 of 4 stars; one submission).

Submission:

Ambry Genetics
Classification: Uncertain significance. Last evaluated: 2023-12-23. Review status: criteria provided, single submitter. Criteria: Ambry Variant Classification Scheme 2023. Collection method: clinical testing. Allele origin: germline.
Comment: The p.E1525A variant (also known as c.4574A>C), located in coding exon 4 of the ALPK2 gene, results from an A to C substitution at nucleotide position 4574. The glutamic acid at codon 1525 is replaced by alanine, an amino acid with dissimilar properties. This amino acid position is conserved. In addition, this alteration is predicted to be tolerated by in silico analysis. Since supporting evidence is limited at this time, the clinical significance of this alteration remains unclear.

NM_052947.4(ALPK2):c.4574A>C (p.Glu1525Ala)

Genes: ALPK2 (alpha kinase 2; minus strand), LOC126862764 (BRD4-independent group 4 enhancer GRCh37_chr18:56202574-56203773; plus strand). Cytogenetic location: 18q21.31.
Variant type: single nucleotide variant.
Coding change: c.4574A>C on transcript NM_052947.4 (MANE Select); coding-DNA position 4574, A replaced by C.
Protein change: p.Glu1525Ala; replaces glutamic acid 1525 with alanine.
Molecular consequence: missense variant.
Genome position (GRCh38, 1-based): chr18:58,535,613, T>G on the plus strand (A>C on the coding strand, the complement: ALPK2 is on the minus strand). VCF-style: chr18-58535613-T-G. GRCh37 (hg19) VCF-style: chr18-56202845-T-G.
Other names: short protein forms E1525A.
Identifiers: ClinVar variation 3228749 (VCV003228749.1), dbSNP rs2518874515, ClinGen allele CA402561309.